The following is an entry in ClinVar:

NM_001145809.2(MYH14):c.1021G>C (p.Gly341Arg)

Gene: MYH14 (myosin heavy chain 14; plus strand). Cytogenetic location: 19q13.33.
Variant type: single nucleotide variant.
Coding change: c.1021G>C on transcript NM_001145809.2 (MANE Select); coding-DNA position 1021, G replaced by C.
Protein change: p.Gly341Arg; replaces glycine 341 with arginine.
Molecular consequence: missense variant.
Genome position (GRCh38, 1-based): chr19:50,231,977, G>C. VCF-style: chr19-50231977-G-C. GRCh37 (hg19) VCF-style: chr19-50735234-G-C.
Other names: c.1021G>C, p.Gly341Arg (NM_001077186.2); c.997G>C, p.Gly333Arg (NM_024729.4); c.997G>C (NM_024729.3); short protein forms G333R, G341R.
Identifiers: ClinVar variation 1923010 (VCV001923010.7), dbSNP rs558087419, ClinGen allele CA9592478.
Genomic context (GRCh38, chr19:50,231,977, plus strand): 5'-ATTGTCCCTGCAGCCGACCTCCTCCTCGAGCCCTGCTCCCACTACCGGTTCCTGACCAAC[G>C]GGCCGTCATCCTCTCCCGGCCAGGAGCGGGAACTCTTCCAGGAGACGCTGGAGTCGCTGC-3'
Protein context (NP_001139281.1, residues 331-351): PCSHYRFLTN[Gly341Arg]PSSSPGQERE

ClinVar aggregate classification (germline): Uncertain significance. Review status: criteria provided, multiple submitters, no conflicts (2 of 4 stars). 3 submissions from 3 submitters: Uncertain significance (3). Last evaluated 2023-02-15.

Conditions:
Peripheral neuropathy-myopathy-hoarseness-hearing loss syndrome. Identifiers: Orphanet 397744, MedGen C3280556, MONDO:0013711, OMIM 614369.
Autosomal dominant nonsyndromic hearing loss 4A. Also called: Deafness, autosomal dominant 4A. Identifiers: Orphanet 90635, MedGen C1833503, MONDO:0010915, OMIM 600652.

gnomAD v4.1: 22 of 1,613,782 alleles (0.0014%); highest among the groups gnomAD compares: Non-Finnish European, 0.0017%; 1 homozygote.

Submissions (3):

Women's Health and Genetics/Laboratory Corporation of America, LabCorp
Classification: Uncertain significance. Last evaluated: 2023-02-15. Review status: criteria provided, single submitter. Criteria: LabCorp Variant Classification Summary - May 2015. Collection method: clinical testing. Allele origin: germline.
Comment: Variant summary: MYH14 c.997G>C (p.Gly333Arg) results in a non-conservative amino acid change located in the Myosin head, motor domain (IPR001609) of the encoded protein sequence. Five of five in-silico tools predict a damaging effect of the variant on protein function. The variant allele was found at a frequency of 8e-06 in 248974 control chromosomes. The available data on variant occurrences in the general population are insufficient to allow any conclusion about variant significance. To our knowledge, no occurrence of c.997G>C in individuals affected with Deafness, Autosomal Dominant 4 and no experimental evidence demonstrating its impact on protein function have been reported in the literature. One ClinVar submitter has submitted clinical-significance assessments for this variant to ClinVar after 2014 and classified the variant as uncertain significance. Based on the evidence outlined above, the variant was classified as uncertain significance.

Department of Pathology and Laboratory Medicine, Sinai Health System
Classification: Uncertain significance for Autosomal dominant nonsyndromic hearing loss 4A; Peripheral neuropathy-myopathy-hoarseness-hearing loss syndrome. Last evaluated: 2022-11-07. Review status: criteria provided, single submitter. Criteria: ACMG Guidelines, 2015. Collection method: research. Allele origin: germline.

Labcorp Genetics (formerly Invitae), Labcorp
Classification: Uncertain significance. Last evaluated: 2022-08-12. Review status: criteria provided, single submitter. Criteria: Invitae Variant Classification Sherloc (09022015). Collection method: clinical testing. Allele origin: germline.
Comment: In summary, the available evidence is currently insufficient to determine the role of this variant in disease. Therefore, it has been classified as a Variant of Uncertain Significance. This sequence change replaces glycine, which is neutral and non-polar, with arginine, which is basic and polar, at codon 333 of the MYH14 protein (p.Gly333Arg). This variant is present in population databases (rs558087419, gnomAD 0.002%). This missense change has been observed in individual(s) with hearing loss and/or peripheral neuropathy (Invitae). It has also been observed to segregate with disease in related individuals. Algorithms developed to predict the effect of missense changes on protein structure and function (SIFT, PolyPhen-2, Align-GVGD) all suggest that this variant is likely to be disruptive.